The following is an entry in ClinVar:

ClinVar aggregate classification (germline): Uncertain significance (1 of 4 stars; one submission).

gnomAD v4.1: 14 of 1,613,918 alleles (0.00087%); highest among the groups gnomAD compares: East Asian, 0.031%; no homozygotes.

Submission:

Labcorp Genetics (formerly Invitae), Labcorp
Classification: Uncertain significance. Last evaluated: 2025-10-02. Review status: criteria provided, single submitter. Criteria: Invitae Variant Classification Sherloc (09022015). Collection method: clinical testing. Allele origin: germline.
Comment: This sequence change replaces lysine, which is basic and polar, with threonine, which is neutral and polar, at codon 1194 of the SUCO protein (p.Lys1194Thr). This variant is not present in population databases (gnomAD no frequency). This variant has not been reported in the literature in individuals affected with SUCO-related conditions. An algorithm developed to predict the effect of missense changes on protein structure and function (PolyPhen-2) suggests that this variant is likely to be disruptive. In summary, the available evidence is currently insufficient to determine the role of this variant in disease. Therefore, it has been classified as a Variant of Uncertain Significance.

NM_014283.5(SUCO):c.3581A>C (p.Lys1194Thr)

Gene: SUCO (SUN domain containing ossification factor; plus strand). Cytogenetic location: 1q24.3.
Variant type: single nucleotide variant.
Coding change: c.3581A>C on transcript NM_014283.5 (MANE Select); coding-DNA position 3581, A replaced by C.
Protein change: p.Lys1194Thr; replaces lysine 1194 with threonine.
Molecular consequence: missense variant.
Genome position (GRCh38, 1-based): chr1:172,610,075, A>C. VCF-style: chr1-172610075-A-C. GRCh37 (hg19) VCF-style: chr1-172579215-A-C.
Other names: c.2468A>C, p.Lys823Thr (NM_001282750.2); c.1892A>C, p.Lys631Thr (NM_001282751.2); c.4034A>C, p.Lys1345Thr (NM_016227.4); short protein forms K823T, K631T, K1194T, K1345T.
Identifiers: ClinVar variation 4765374 (VCV004765374.1).